The following is an entry in ClinVar:

ClinVar aggregate classification (germline): Benign/Likely benign. Review status: criteria provided, multiple submitters, no conflicts (2 of 4 stars). 18 submissions from 18 submitters: Benign (11); Likely benign (2). 5 of the submissions do not count toward it. Last evaluated 2026-02-04.

Conditions:
Heterotopia, periventricular, X-linked dominant (PVNH1). Also called: PERIVENTRICULAR NODULAR HETEROTOPIA 1; X-linked periventricular heterotopia; PERIVENTRICULAR NODULAR HETEROTOPIA 4; HETEROTOPIA, PERIVENTRICULAR, 1. Identifiers: Orphanet 2149, Orphanet 82004, MedGen C1848213, MONDO:0010233, OMIM 300049.
Frontometaphyseal dysplasia (FMD1). Identifiers: Orphanet 1826, MedGen C0265293, MONDO:0015942.
Melnick-Needles syndrome (MNS). Also called: Melnick-Needles Syndrome (FLNA-MNS); MELNICK-NEEDLES OSTEODYSPLASTY; OSTEODYSPLASTY OF MELNICK AND NEEDLES. Identifiers: Orphanet 2484, MedGen C0025237, MONDO:0010650, OMIM 309350.
Oto-palato-digital syndrome, type II (OPD2). Also called: Otopalatodigital Syndrome Type 2 (FLNA-OPD2); OPD II SYNDROME; Otopalatodigital Syndrome, Type II; FACIOPALATOOSSEOUS SYNDROME. Identifiers: Orphanet 669, Orphanet 90652, MedGen C1844696, MONDO:0010571, OMIM 304120.
Familial thoracic aortic aneurysm and aortic dissection (TAAD). Also called: Thoracic aortic aneurysms and dissections. Identifiers: Orphanet 91387, MedGen C4707243, MONDO:0019625.

Allele frequency attached by ClinVar (database versions not stated): gnomAD exomes 0.01066 and 0.00397; ESP Exome Variant Server 0.04503; TOPMed 0.04427; gnomAD 0.03796 and 0.04049; 1000 Genomes Project 30x 0.04495; ExAC 0.01841; 1000 Genomes Project 0.04265.
gnomAD v4.1: 8,850 of 1,203,908 alleles (0.74%); highest among the groups gnomAD compares: African/African-American, 13%; 388 homozygotes.

Submissions (18):

Labcorp Genetics (formerly Invitae), Labcorp
Classification: Benign for Oto-palato-digital syndrome, type II; Heterotopia, periventricular, X-linked dominant; Frontometaphyseal dysplasia; Melnick-Needles syndrome. Last evaluated: 2026-02-04. Review status: criteria provided, single submitter. Criteria: Invitae Variant Classification Sherloc (09022015). Collection method: clinical testing. Allele origin: germline.

ARUP Laboratories, Molecular Genetics and Genomics, ARUP Laboratories
Classification: Benign. Last evaluated: 2025-07-07. Review status: criteria provided, single submitter. Criteria: ARUP Molecular Germline Variant Investigation Process 2024. Collection method: clinical testing. Allele origin: germline.

Molecular Diagnostic Laboratory for Inherited Cardiovascular Disease, Montreal Heart Institute
Classification: Benign. Last evaluated: 2025-04-09. Review status: criteria provided, single submitter. Criteria: ACMG Guidelines, 2015. Collection method: clinical testing. Allele origin: germline. Affected: no.
Comment: BA1;BP4;BP6

Athena Diagnostics
Classification: Benign. Last evaluated: 2024-12-31. Review status: criteria provided, single submitter. Criteria: Athena Diagnostics Criteria. Collection method: clinical testing. Allele origin: unknown.
Comment: The frequency of this variant in the general population is higher than would generally be expected for pathogenic variants in this gene.

Blueprint Genetics
Classification: Likely benign. Last evaluated: 2024-11-14. Review status: criteria provided, single submitter. Criteria: ACMG Guidelines, 2015. Collection method: clinical testing. Allele origin: germline.

Mayo Clinic Laboratories, Mayo Clinic
Classification: Benign. Last evaluated: 2023-09-27. Review status: criteria provided, single submitter. Criteria: ACMG Guidelines, 2015. Collection method: clinical testing. Allele origin: germline. Observed: 86 variant alleles.
Comment: BA1, BP4

Women's Health and Genetics/Laboratory Corporation of America, LabCorp
Classification: Likely benign. Last evaluated: 2023-07-21. Review status: criteria provided, single submitter. Criteria: LabCorp Variant Classification Summary - May 2015. Collection method: clinical testing. Allele origin: germline.

Center for Pediatric Genomic Medicine, Children's Mercy Hospital and Clinics
Classification: Benign. Last evaluated: 2016-02-11. Review status: criteria provided, single submitter. Criteria: ACMG Guidelines, 2015. Collection method: clinical testing. Allele origin: germline.

Ambry Genetics
Classification: Benign for Familial thoracic aortic aneurysm and aortic dissection. Last evaluated: 2015-07-20. Review status: criteria provided, single submitter. Criteria: Ambry Variant Classification Scheme 2023. Collection method: clinical testing. Allele origin: germline.

Eurofins Ntd Llc (ga)
Classification: Benign. Last evaluated: 2014-06-05. Review status: criteria provided, single submitter. Criteria: EGL Classification Definitions 2015. Collection method: clinical testing. Allele origin: germline. Observed: 3 variant alleles, 2 heterozygotes, 1 homozygote.

GeneDx
Classification: Benign. Last evaluated: 2014-03-21. Review status: criteria provided, single submitter. Criteria: GeneDx Variant Classification (06012015). Collection method: clinical testing. Allele origin: germline. Affected: yes.
Comment: This variant is considered likely benign or benign based on one or more of the following criteria: it is a conservative change, it occurs at a poorly conserved position in the protein, it is predicted to be benign by multiple in silico algorithms, and/or has population frequency not consistent with disease.

Claritas Genomics
Classification: Benign. Last evaluated: 2013-07-10. Review status: criteria provided, single submitter. Criteria: ACMG Guidelines, 2007. Collection method: clinical testing. Allele origin: germline. Inheritance: X-linked inheritance.

Breakthrough Genomics
Classification: Benign. Review status: criteria provided, single submitter. Criteria: ACMG Guidelines, 2015. Collection method: not provided. Allele origin: germline. Inheritance: X-linked inheritance. Affected: yes.

Clinical Genetics DNA and cytogenetics Diagnostics Lab, Erasmus MC, Erasmus Medical Center
Classification: Benign. Review status: no assertion criteria provided. Collection method: clinical testing. Allele origin: germline. Affected: yes. Study: VKGL Data-share Consensus. Not counted in ClinVar's aggregate classification.

Genetic Services Laboratory, University of Chicago
Classification: Likely benign for AllHighlyPenetrant. Review status: no assertion criteria provided. Collection method: clinical testing. Allele origin: germline. Inheritance: X-linked inheritance. Not counted in ClinVar's aggregate classification.
Comment: Likely benign based on allele frequency in 1000 Genomes Project or ESP global frequency and its presence in a patient with a rare or unrelated disease phenotype. NOT Sanger confirmed.

Genome Diagnostics Laboratory, Amsterdam University Medical Center
Classification: Benign. Review status: no assertion criteria provided. Collection method: clinical testing. Allele origin: germline. Affected: yes. Study: VKGL Data-share Consensus. Not counted in ClinVar's aggregate classification.

Joint Genome Diagnostic Labs from Nijmegen and Maastricht, Radboudumc and MUMC+
Classification: Benign. Review status: no assertion criteria provided. Collection method: clinical testing. Allele origin: germline. Affected: yes. Study: VKGL Data-share Consensus. Not counted in ClinVar's aggregate classification.

Laboratory of Diagnostic Genome Analysis, Leiden University Medical Center (LUMC)
Classification: Likely benign. Review status: no assertion criteria provided. Collection method: clinical testing. Allele origin: germline. Affected: yes. Study: VKGL Data-share Consensus. Not counted in ClinVar's aggregate classification.

NM_001110556.2(FLNA):c.5290G>A (p.Ala1764Thr)

Gene: FLNA (filamin A; minus strand). Cytogenetic location: Xq28.
Variant type: single nucleotide variant.
Coding change: c.5290G>A on transcript NM_001110556.2 (MANE Select); coding-DNA position 5290, G replaced by A.
Protein change: p.Ala1764Thr; replaces alanine 1764 with threonine.
Molecular consequence: missense variant.
Genome position (GRCh38, 1-based): chrX:154,354,639, C>T on the plus strand (G>A on the coding strand, the complement: FLNA is on the minus strand). VCF-style: chrX-154354639-C-T. GRCh37 (hg19) VCF-style: chrX-153583007-C-T.
Other names: p.A1756T:GCC>ACC; c.5266G>A, p.Ala1756Thr (NM_001456.4); short protein forms A1764T.
Identifiers: ClinVar variation 93765 (VCV000093765.48), dbSNP rs57108893, ClinGen allele CA285486.